The following is an entry in ClinVar:

ClinVar aggregate classification (germline): Uncertain significance. Review status: criteria provided, multiple submitters, no conflicts (2 of 4 stars). 3 submissions from 3 submitters: Uncertain significance (3). Last evaluated 2025-08-17.

Conditions:
Familial adenomatous polyposis 1 (FAP1). Also called: FAMILIAL ADENOMATOUS POLYPOSIS 1, ATTENUATED; POLYPOSIS, ADENOMATOUS INTESTINAL. Identifiers: MedGen C2713442, MONDO:0021056, OMIM 175100. Disease mechanism: loss of function.
Hereditary cancer-predisposing syndrome. Also called: Hereditary Cancer Syndrome; Neoplastic Syndromes, Hereditary; Tumor predisposition; Hereditary neoplastic syndrome. Identifiers: Orphanet 140162, MedGen C0027672, MeSH D009386, MONDO:0015356.

gnomAD v4.1: 1 of 1,614,190 alleles (0.000062%); highest among the groups gnomAD compares: East Asian, 0.0022%; no homozygotes.

Submissions (3):

Color Diagnostics, LLC DBA Color Health
Classification: Uncertain significance for Hereditary cancer-predisposing syndrome. Last evaluated: 2025-08-17. Review status: criteria provided, single submitter. Criteria: ACMG Guidelines, 2015. Collection method: clinical testing. Allele origin: germline.
Comment: This missense variant replaces valine with methionine at codon 830 of the APC protein. Computational prediction suggests that this variant may not impact protein structure and function. To our knowledge, functional studies have not been reported for this variant. This variant has not been reported in individuals affected with APC-related disorders in the literature. This variant has not been identified in the general population by the Genome Aggregation Database (gnomAD). The available evidence is insufficient to determine the role of this variant in disease conclusively. Therefore, this variant is classified as a Variant of Uncertain Significance.

Ambry Genetics
Classification: Uncertain significance for Hereditary cancer-predisposing syndrome. Last evaluated: 2025-06-23. Review status: criteria provided, single submitter. Criteria: Ambry Variant Classification Scheme 2023. Collection method: clinical testing. Allele origin: germline.
Comment: The p.V830M variant (also known as c.2488G>A), located in coding exon 15 of the APC gene, results from a G to A substitution at nucleotide position 2488. The valine at codon 830 is replaced by methionine, an amino acid with highly similar properties. This amino acid position is conserved. In addition, in silico predictors for this gene do not accurately predict pathogenicity. Based on the available evidence, the clinical significance of this variant remains unclear.

Labcorp Genetics (formerly Invitae), Labcorp
Classification: Uncertain significance for Familial adenomatous polyposis 1. Last evaluated: 2024-08-20. Review status: criteria provided, single submitter. Criteria: Invitae Variant Classification Sherloc (09022015). Collection method: clinical testing. Allele origin: germline.
Comment: This sequence change replaces valine, which is neutral and non-polar, with methionine, which is neutral and non-polar, at codon 830 of the APC protein (p.Val830Met). This variant is not present in population databases (gnomAD no frequency). This variant has not been reported in the literature in individuals affected with APC-related conditions. Invitae Evidence Modeling of protein sequence and biophysical properties (such as structural, functional, and spatial information, amino acid conservation, physicochemical variation, residue mobility, and thermodynamic stability) indicates that this missense variant is not expected to disrupt APC protein function with a negative predictive value of 95%. In summary, the available evidence is currently insufficient to determine the role of this variant in disease. Therefore, it has been classified as a Variant of Uncertain Significance.

NM_000038.6(APC):c.2488G>A (p.Val830Met)

Gene: APC (APC regulator of Wnt signaling pathway; plus strand). Cytogenetic location: 5q22.2.
Variant type: single nucleotide variant.
Coding change: c.2488G>A on transcript NM_000038.6 (MANE Select); coding-DNA position 2488, G replaced by A.
Protein change: p.Val830Met; replaces valine 830 with methionine.
Molecular consequence: missense variant. On other transcripts: non-coding transcript variant (2).
Genome position (GRCh38, 1-based): chr5:112,838,082, G>A. VCF-style: chr5-112838082-G-A. GRCh37 (hg19) VCF-style: chr5-112173779-G-A.
Other names: c.2488G>A (NM_000038.5); c.2488G>A, p.Val830Met (NM_001127510.3, NM_001354895.2, NM_001407450.1); c.2434G>A, p.Val812Met (NM_001127511.3); c.2542G>A, p.Val848Met (NM_001354896.2, NM_001407447.1, NM_001407448.1 and 1 more transcripts); c.2518G>A, p.Val840Met (NM_001354897.2); c.2413G>A, p.Val805Met (NM_001354898.2); c.2404G>A, p.Val802Met (NM_001354899.2); c.2365G>A, p.Val789Met (NM_001354900.2); and 12 more; short protein forms V446M, V547M, V670M, V701M, V704M, V729M, V739M, V747M.
Identifiers: ClinVar variation 3615869 (VCV003615869.4).